The following is an entry in ClinVar:

ClinVar aggregate classification (germline): Uncertain significance (1 of 4 stars; one submission).

Submission:

Ambry Genetics
Classification: Uncertain significance. Last evaluated: 2021-11-09. Review status: criteria provided, single submitter. Criteria: Ambry Variant Classification Scheme 2023. Collection method: clinical testing. Allele origin: germline.
Comment: The p.Q463L variant (also known as c.1388A>T), located in coding exon 10 of the RINT1 gene, results from an A to T substitution at nucleotide position 1388. The glutamine at codon 463 is replaced by leucine, an amino acid with dissimilar properties. This amino acid position is highly conserved in available vertebrate species. In addition, the in silico prediction for this alteration is inconclusive. The evidence for this gene-disease relationship is limited; therefore, the clinical significance of this alteration is unclear.

NM_021930.6(RINT1):c.1388A>T (p.Gln463Leu)

Gene: RINT1 (RAD50 interactor 1; plus strand). Cytogenetic location: 7q22.3.
Variant type: single nucleotide variant.
Coding change: c.1388A>T on transcript NM_021930.6 (MANE Select); coding-DNA position 1388, A replaced by T.
Protein change: p.Gln463Leu; replaces glutamine 463 with leucine.
Molecular consequence: missense variant. On other transcripts: non-coding transcript variant (1).
Genome position (GRCh38, 1-based): chr7:105,551,624, A>T. VCF-style: chr7-105551624-A-T. GRCh37 (hg19) VCF-style: chr7-105192071-A-T.
Other names: c.1154A>T, p.Gln385Leu (NM_001346599.2); c.365A>T, p.Gln122Leu (NM_001346600.2, NM_001346603.2); c.464A>T, p.Gln155Leu (NM_001346601.2); short protein forms Q122L, Q155L, Q385L, Q463L.
Identifiers: ClinVar variation 1771451 (VCV001771451.2), dbSNP rs2485137085, ClinGen allele CA368810007.